The following is an entry in ClinVar:

NM_018297.4(NGLY1):c.1414A>G (p.Met472Val)

Gene: NGLY1 (N-glycanase 1; minus strand). Cytogenetic location: 3p24.2.
Variant type: single nucleotide variant.
Coding change: c.1414A>G on transcript NM_018297.4 (MANE Select); coding-DNA position 1414, A replaced by G.
Protein change: p.Met472Val; replaces methionine 472 with valine.
Molecular consequence: missense variant.
Genome position (GRCh38, 1-based): chr3:25,732,330, T>C on the plus strand (A>G on the coding strand, the complement: NGLY1 is on the minus strand). VCF-style: chr3-25732330-T-C. GRCh37 (hg19) VCF-style: chr3-25773821-T-C.
Other names: c.1360A>G, p.Met454Val (NM_001145293.2); c.1288A>G, p.Met430Val (NM_001145294.2); c.1414A>G, p.Met472Val (NM_001145295.2); short protein forms M430V, M472V, M454V.
Identifiers: ClinVar variation 1401781 (VCV001401781.9), dbSNP rs1705577127, ClinGen allele CA351898629.

ClinVar aggregate classification (germline): Uncertain significance (1 of 4 stars; one submission).

Conditions:
Congenital disorder of deglycosylation (CDDG). Identifiers: MedGen C3808991, MONDO:0031376.

Allele frequency attached by ClinVar (database versions not stated): gnomAD exomes below 0.00001; TOPMed 0.00001.
gnomAD v4.1: 3 of 1,613,432 alleles (0.00019%); highest among the groups gnomAD compares: African/African-American, 0.004%; no homozygotes.

Submission:

Labcorp Genetics (formerly Invitae), Labcorp
Classification: Uncertain significance for Congenital disorder of deglycosylation. Last evaluated: 2024-12-16. Review status: criteria provided, single submitter. Criteria: Invitae Variant Classification Sherloc (09022015). Collection method: clinical testing. Allele origin: germline.
Comment: This sequence change replaces methionine, which is neutral and non-polar, with valine, which is neutral and non-polar, at codon 472 of the NGLY1 protein (p.Met472Val). This variant is not present in population databases (gnomAD no frequency). This variant has not been reported in the literature in individuals affected with NGLY1-related conditions. ClinVar contains an entry for this variant (Variation ID: 1401781). Invitae Evidence Modeling of protein sequence and biophysical properties (such as structural, functional, and spatial information, amino acid conservation, physicochemical variation, residue mobility, and thermodynamic stability) indicates that this missense variant is not expected to disrupt NGLY1 protein function with a negative predictive value of 80%. In summary, the available evidence is currently insufficient to determine the role of this variant in disease. Therefore, it has been classified as a Variant of Uncertain Significance.